The following is an entry in ClinVar:

ClinVar aggregate classification (germline): Uncertain significance (1 of 4 stars; one submission).

Conditions:
Developmental and epileptic encephalopathy, 11 (DEE11). Also called: Early infantile epileptic encephalopathy 11. Identifiers: Orphanet 1934, MedGen C3150987, MONDO:0013388, OMIM 613721.
Seizures, benign familial infantile, 3 (BFIS3). Also called: Familial neonatal seizures; CONVULSIONS, BENIGN FAMILIAL INFANTILE, 3. Identifiers: Orphanet 140927, Orphanet 306, MedGen C1843140, MONDO:0011904, OMIM 607745.

gnomAD v4.1: 1 of 1,614,056 alleles (0.000062%); highest among the groups gnomAD compares: Admixed American, 0.0017%; no homozygotes.

Submission:

Labcorp Genetics (formerly Invitae), Labcorp
Classification: Uncertain significance for Seizures, benign familial infantile, 3; Developmental and epileptic encephalopathy, 11. Last evaluated: 2025-05-11. Review status: criteria provided, single submitter. Criteria: Invitae Variant Classification Sherloc (09022015). Collection method: clinical testing. Allele origin: germline.
Comment: This sequence change replaces isoleucine, which is neutral and non-polar, with threonine, which is neutral and polar, at codon 1061 of the SCN2A protein (p.Ile1061Thr). This variant is present in population databases (no rsID available, gnomAD 0.003%). This variant has not been reported in the literature in individuals affected with SCN2A-related conditions. ClinVar contains an entry for this variant (Variation ID: 1053752). Invitae Evidence Modeling of protein sequence and biophysical properties (such as structural, functional, and spatial information, amino acid conservation, physicochemical variation, residue mobility, and thermodynamic stability) has been performed for this missense variant. However, the output from this modeling did not meet the statistical confidence thresholds required to predict the impact of this variant on SCN2A protein function. In summary, the available evidence is currently insufficient to determine the role of this variant in disease. Therefore, it has been classified as a Variant of Uncertain Significance.

NM_001040142.2(SCN2A):c.3182T>C (p.Ile1061Thr)

Gene: SCN2A (sodium voltage-gated channel alpha subunit 2; plus strand). Cytogenetic location: 2q24.3.
Variant type: single nucleotide variant.
Coding change: c.3182T>C on transcript NM_001040142.2 (MANE Select); coding-DNA position 3182, T replaced by C.
Protein change: p.Ile1061Thr; replaces isoleucine 1061 with threonine.
Molecular consequence: missense variant.
Genome position (GRCh38, 1-based): chr2:165,354,454, T>C. VCF-style: chr2-165354454-T-C. GRCh37 (hg19) VCF-style: chr2-166210964-T-C.
Other names: c.3182T>C, p.Ile1061Thr (NM_001040143.2, NM_001371246.1, NM_001371247.1 and 1 more transcripts); short protein forms I1061T.
Identifiers: ClinVar variation 1053752 (VCV001053752.9), dbSNP rs781742853, ClinGen allele CA349021087.